The following is an entry in ClinVar:

ClinVar aggregate classification (germline): Uncertain significance (1 of 4 stars; one submission).

Allele frequency attached by ClinVar (database versions not stated): gnomAD exomes below 0.00001.
gnomAD v4.1: 1 of 1,606,738 alleles (0.000062%); highest among the groups gnomAD compares: South Asian, 0.0011%; no homozygotes.

Submission:

Labcorp Genetics (formerly Invitae), Labcorp
Classification: Uncertain significance. Last evaluated: 2022-05-31. Review status: criteria provided, single submitter. Criteria: Invitae Variant Classification Sherloc (09022015). Collection method: clinical testing. Allele origin: germline.
Comment: This sequence change replaces glutamic acid, which is acidic and polar, with lysine, which is basic and polar, at codon 430 of the SCLT1 protein (p.Glu430Lys). This variant is not present in population databases (gnomAD no frequency). This variant has not been reported in the literature in individuals affected with SCLT1-related conditions. Algorithms developed to predict the effect of missense changes on protein structure and function (SIFT, PolyPhen-2, Align-GVGD) all suggest that this variant is likely to be tolerated. In summary, the available evidence is currently insufficient to determine the role of this variant in disease. Therefore, it has been classified as a Variant of Uncertain Significance.

NM_144643.4(SCLT1):c.1288G>A (p.Glu430Lys)

Gene: SCLT1 (sodium channel and clathrin linker 1; minus strand). Cytogenetic location: 4q28.2.
Variant type: single nucleotide variant.
Coding change: c.1288G>A on transcript NM_144643.4 (MANE Select); coding-DNA position 1288, G replaced by A.
Protein change: p.Glu430Lys; replaces glutamic acid 430 with lysine.
Molecular consequence: missense variant.
Genome position (GRCh38, 1-based): chr4:128,948,501, C>T on the plus strand (G>A on the coding strand, the complement: SCLT1 is on the minus strand). VCF-style: chr4-128948501-C-T. GRCh37 (hg19) VCF-style: chr4-129869656-C-T.
Other names: c.1288G>A, p.Glu430Lys (NM_001410807.1); short protein forms E430K.
Identifiers: ClinVar variation 1971141 (VCV001971141.5), dbSNP rs2530374087, ClinGen allele CA358187113.